The following is an entry in ClinVar:

NM_001942.4(DSG1):c.3112C>T (p.Arg1038Ter)

Genes: DSG1 (desmoglein 1; plus strand), DSG1-AS1 (DSG1 antisense RNA 1; minus strand). Cytogenetic location: 18q12.1.
Variant type: single nucleotide variant.
Coding change: c.3112C>T on transcript NM_001942.4 (MANE Select); coding-DNA position 3112, C replaced by T.
Protein change: p.Arg1038Ter; replaces arginine 1038 with a stop codon.
Molecular consequence: nonsense.
Genome position (GRCh38, 1-based): chr18:31,355,308, C>T. VCF-style: chr18-31355308-C-T. GRCh37 (hg19) VCF-style: chr18-28935271-C-T.
Other names: short protein forms R1038*.
Identifiers: ClinVar variation 3698622 (VCV003698622.2).

ClinVar aggregate classification (germline): Uncertain significance (1 of 4 stars; one submission).

Submission:

Labcorp Genetics (formerly Invitae), Labcorp
Classification: Uncertain significance. Last evaluated: 2024-02-10. Review status: criteria provided, single submitter. Criteria: Invitae Variant Classification Sherloc (09022015). Collection method: clinical testing. Allele origin: germline.
Comment: This sequence change creates a premature translational stop signal (p.Arg1038*) in the DSG1 gene. While this is not anticipated to result in nonsense mediated decay, it is expected to disrupt the last 12 amino acid(s) of the DSG1 protein. This variant is present in population databases (no rsID available, gnomAD 0.007%). This variant has not been reported in the literature in individuals affected with DSG1-related conditions. Experimental studies and prediction algorithms are not available or were not evaluated, and the functional significance of this variant is currently unknown. In summary, the available evidence is currently insufficient to determine the role of this variant in disease. Therefore, it has been classified as a Variant of Uncertain Significance.